The following is an entry in ClinVar:

ClinVar aggregate classification (germline): Uncertain significance (1 of 4 stars; one submission).

Conditions:
Neuropathy, hereditary sensory and autonomic, type 2A (HSAN2A). Also called: MORVAN DISEASE; NEUROPATHY, CONGENITAL SENSORY; NEUROPATHY, HEREDITARY SENSORY RADICULAR, AUTOSOMAL RECESSIVE; NEUROPATHY, HEREDITARY SENSORY, TYPE IIA; NEUROPATHY, PROGRESSIVE SENSORY, OF CHILDREN; ACROOSTEOLYSIS, GIACCAI TYPE. Identifiers: Orphanet 970, MedGen C2752089, MONDO:0024309, OMIM 201300.
Generalized epilepsy with febrile seizures plus, type 7 (GEFSP7). Also called: GEFS+, TYPE 7. Identifiers: Orphanet 36387, MedGen C2751778, MONDO:0013470, OMIM 613863.

Submission:

Labcorp Genetics (formerly Invitae), Labcorp
Classification: Uncertain significance for Neuropathy, hereditary sensory and autonomic, type 2A; Generalized epilepsy with febrile seizures plus, type 7. Last evaluated: 2024-05-07. Review status: criteria provided, single submitter. Criteria: Invitae Variant Classification Sherloc (09022015). Collection method: clinical testing. Allele origin: germline.
Comment: This sequence change replaces threonine, which is neutral and polar, with proline, which is neutral and non-polar, at codon 1883 of the SCN9A protein (p.Thr1883Pro). This variant is not present in population databases (gnomAD no frequency). This variant has not been reported in the literature in individuals affected with SCN9A-related conditions. Advanced modeling of protein sequence and biophysical properties (such as structural, functional, and spatial information, amino acid conservation, physicochemical variation, residue mobility, and thermodynamic stability) performed at Invitae indicates that this missense variant is not expected to disrupt SCN9A protein function with a negative predictive value of 95%. In summary, the available evidence is currently insufficient to determine the role of this variant in disease. Therefore, it has been classified as a Variant of Uncertain Significance.

NM_001365536.1(SCN9A):c.5680A>C (p.Thr1894Pro)

Genes: SCN1A-AS1 (SCN1A and SCN9A antisense RNA 1; plus strand), SCN9A (sodium voltage-gated channel alpha subunit 9; minus strand). Cytogenetic location: 2q24.3.
Variant type: single nucleotide variant.
Coding change: c.5680A>C on transcript NM_001365536.1 (MANE Select); coding-DNA position 5680, A replaced by C.
Protein change: p.Thr1894Pro; replaces threonine 1894 with proline.
Molecular consequence: missense variant.
Genome position (GRCh38, 1-based): chr2:166,198,959, T>G on the plus strand (A>C on the coding strand, the complement: SCN9A is on the minus strand). VCF-style: chr2-166198959-T-G. GRCh37 (hg19) VCF-style: chr2-167055469-T-G.
Other names: c.5647A>C, p.Thr1883Pro (NM_002977.4); short protein forms T1883P, T1894P.
Identifiers: ClinVar variation 3756227 (VCV003756227.2).
Genomic context (GRCh38, chr2:166,198,959, plus strand): 5'-TTGATATATTTTTGACATTTTGCCTTAAGCGGTAACGTCTATAAGCACGCTGAATGACAG[T>G]AGCAGACACATCCTCTTGTTTCCGTTTTAGTGTGGTTGTGATGGGTTCATAGGACACTTT-3'
Protein context (NP_001352465.1, residues 1884-1904): LKRKQEDVSA[Thr1894Pro]VIQRAYRRYR